The following is an entry in ClinVar:

NM_000070.3(CAPN3):c.2083G>T (p.Glu695Ter)

Gene: CAPN3 (calpain 3; plus strand). Cytogenetic location: 15q15.1.
Variant type: single nucleotide variant.
Coding change: c.2083G>T on transcript NM_000070.3 (MANE Select); coding-DNA position 2083, G replaced by T.
Protein change: p.Glu695Ter; replaces glutamic acid 695 with a stop codon.
Molecular consequence: nonsense.
Genome position (GRCh38, 1-based): chr15:42,409,963, G>T. VCF-style: chr15-42409963-G-T. GRCh37 (hg19) VCF-style: chr15-42702161-G-T.
Other names: c.2065G>T, p.Glu689Ter (NM_024344.2); c.1807G>T, p.Glu603Ter (NM_173087.2); c.547G>T, p.Glu183Ter (NM_173088.2); c.88G>T, p.Glu30Ter (NM_173089.2, NM_173090.2); short protein forms E183*, E30*, E603*, E689*, E695*.
Identifiers: ClinVar variation 983855 (VCV000983855.3), dbSNP rs2054157050, ClinGen allele CA392001522.

ClinVar aggregate classification (germline): Likely pathogenic (1 of 4 stars; one submission).

Conditions:
Autosomal recessive limb-girdle muscular dystrophy type 2A (LGMDR1). Also called: Limb-girdle muscular dystrophy, type 2A; Calpainopathy; LEYDEN-MOEBIUS MUSCULAR DYSTROPHY; MUSCULAR DYSTROPHY, PELVOFEMORAL; Muscular dystrophy, limb-girdle, type 2A, Amish. Identifiers: Orphanet 267, MedGen C1869123, MONDO:0009675, OMIM 253600. Disease mechanism: loss of function.

Submission:

Myriad Genetics, Inc.
Classification: Likely pathogenic for Autosomal recessive limb-girdle muscular dystrophy type 2A. Last evaluated: 2019-01-07. Review status: criteria provided, single submitter. Criteria: Myriad Women's Health Autosomal Recessive and X-Linked Classification Criteria (2019). Collection method: clinical testing. Allele origin: unknown.
Comment: NM_000070.2(CAPN3):c.2083G>T(E695*) is expected to be pathogenic in the context of calpainopathy. This variant is predicted to lead to an abnormal or absent protein product due to the creation of a premature termination codon in CAPN3, a gene where loss-of-function variants are known to be pathogenic. Please note: this variant was assessed in the context of healthy population screening.